The following is an entry in ClinVar:

ClinVar aggregate classification (germline): Uncertain significance. Review status: criteria provided, multiple submitters, no conflicts (2 of 4 stars). 2 submissions from 2 submitters: Uncertain significance (2). Last evaluated 2025-12-02.

Conditions:
Familial thoracic aortic aneurysm and aortic dissection (TAAD). Also called: Thoracic aortic aneurysms and dissections. Identifiers: Orphanet 91387, MedGen C4707243, MONDO:0019625.

Submissions (2):

Ambry Genetics
Classification: Uncertain significance for Familial thoracic aortic aneurysm and aortic dissection. Last evaluated: 2025-12-02. Review status: criteria provided, single submitter. Criteria: Ambry Variant Classification Scheme 2023. Collection method: clinical testing. Allele origin: germline.
Comment: The p.S1838P variant (also known as c.5512T>C), located in coding exon 38 of the MED12 gene, results from a T to C substitution at nucleotide position 5512. The serine at codon 1838 is replaced by proline, an amino acid with similar properties. This amino acid position is conserved. In addition, this alteration is predicted to be tolerated by in silico analysis. Based on the available evidence, the clinical significance of this variant remains unclear.

GeneDx
Classification: Uncertain significance. Last evaluated: 2020-09-18. Review status: criteria provided, single submitter. Criteria: GeneDx Variant Classification Process June 2021. Collection method: clinical testing. Allele origin: germline. Affected: yes.
Comment: Not observed in large population cohorts (Lek et al., 2016); In silico analysis, which includes protein predictors and evolutionary conservation, supports that this variant does not alter protein structure/function; Has not been previously published as pathogenic or benign to our knowledge

NM_005120.3(MED12):c.5512T>C (p.Ser1838Pro)

Gene: MED12 (mediator complex subunit 12; plus strand). Cytogenetic location: Xq13.1.
Variant type: single nucleotide variant.
Coding change: c.5512T>C on transcript NM_005120.3 (MANE Select); coding-DNA position 5512, T replaced by C.
Protein change: p.Ser1838Pro; replaces serine 1838 with proline.
Molecular consequence: missense variant.
Genome position (GRCh38, 1-based): chrX:71,136,990, T>C. VCF-style: chrX-71136990-T-C. GRCh37 (hg19) VCF-style: chrX-70356840-T-C.
Other names: short protein forms S1838P.
Identifiers: ClinVar variation 1307043 (VCV001307043.3), dbSNP rs2147828251, ClinGen allele CA413536095.